The following is an entry in ClinVar:

ClinVar aggregate classification (germline): Uncertain significance. Review status: criteria provided, multiple submitters, no conflicts (2 of 4 stars). 2 submissions from 2 submitters: Uncertain significance (2). Last evaluated 2024-02-15.

gnomAD v4.1: 3 of 1,592,940 alleles (0.00019%); highest among the groups gnomAD compares: Non-Finnish European, 0.00026%; no homozygotes.

Submissions (2):

Blueprint Genetics
Classification: Uncertain significance. Last evaluated: 2024-02-15. Review status: criteria provided, single submitter. Criteria: ACMG Guidelines, 2015. Collection method: clinical testing. Allele origin: germline.

Labcorp Genetics (formerly Invitae), Labcorp
Classification: Uncertain significance. Last evaluated: 2024-01-17. Review status: criteria provided, single submitter. Criteria: Invitae Variant Classification Sherloc (09022015). Collection method: clinical testing. Allele origin: germline.
Comment: This sequence change replaces glycine, which is neutral and non-polar, with cysteine, which is neutral and slightly polar, at codon 18 of the PTPN23 protein (p.Gly18Cys). This variant is not present in population databases (gnomAD no frequency). This variant has not been reported in the literature in individuals affected with PTPN23-related conditions. Experimental studies and prediction algorithms are not available or were not evaluated, and the functional significance of this variant is currently unknown. In summary, the available evidence is currently insufficient to determine the role of this variant in disease. Therefore, it has been classified as a Variant of Uncertain Significance.

NM_015466.4(PTPN23):c.52G>T (p.Gly18Cys)

Genes: PTPN23 (protein tyrosine phosphatase non-receptor type 23; plus strand), PTPN23-DT (PTPN23 divergent transcript; minus strand). Cytogenetic location: 3p21.31.
Variant type: single nucleotide variant.
Coding change: c.52G>T on transcript NM_015466.4 (MANE Select); coding-DNA position 52, G replaced by T.
Protein change: p.Gly18Cys; replaces glycine 18 with cysteine.
Molecular consequence: missense variant. On other transcripts: non-coding transcript variant (1), 5 prime UTR variant (1).
Genome position (GRCh38, 1-based): chr3:47,381,148, G>T. VCF-style: chr3-47381148-G-T. GRCh37 (hg19) VCF-style: chr3-47422638-G-T.
Other names: c.-199G>T (NM_001304482.2); short protein forms G18C.
Identifiers: ClinVar variation 2990770 (VCV002990770.2), dbSNP rs1704526892, ClinGen allele CA352532537.
Genomic context (GRCh38, chr3:47,381,148, plus strand): 5'-CCAGCCGCCATGGAGGCCGTGCCCCGCATGCCCATGATCTGGCTGGACCTGAAGGAGGCC[G>T]GTGACTTTCACTTCCAGCCAGCTGTGAAGAAGGTGAGCTTGCCTTCCATCTTCCCCCCTA-3'
Protein context (NP_056281.1, residues 8-28): PMIWLDLKEA[Gly18Cys]DFHFQPAVKK